The following is an entry in ClinVar:

ClinVar aggregate classification (germline): Uncertain significance (1 of 4 stars; one submission).

Submission:

Medical Genetic Center, Changzhi Maternal and Child Health Care Hospital
Classification: Uncertain significance. Last evaluated: 2025-12-10. Review status: criteria provided, single submitter. Criteria: ACMG/ClinGen CNV Guidelines, 2019. Collection method: clinical testing. Allele origin: unknown.
Comment: 1A(0)+3A(0):CSF2RA duplication

GRCh38/hg38 Xp22.33(chrX:923519-1506454)x3

Genes: ASMTL (acetylserotonin O-methyltransferase like; minus strand), ASMTL-AS1 (ASMTL antisense RNA 1; plus strand), IL3RA (interleukin 3 receptor subunit alpha; plus strand), CRLF2 (cytokine receptor like factor 2; minus strand), CSF2RA (colony stimulating factor 2 receptor subunit alpha; plus strand) and 4 more. Cytogenetic location: Xp22.33.
Variant type: copy number gain.
Change: copy number 3 of chrX:923,519-1,506,454 (582.9 kb, GRCh38 coordinates, 1-based), cytogenetic band Xp22.33.
Identifiers: ClinVar variation 4796430 (VCV004796430.1).